The following is an entry in ClinVar:

NM_001142864.4(PIEZO1):c.3490C>T (p.Arg1164Ter)

Gene: PIEZO1 (piezo type mechanosensitive ion channel component 1 (Er blood group); minus strand). Cytogenetic location: 16q24.3.
Variant type: single nucleotide variant.
Coding change: c.3490C>T on transcript NM_001142864.4 (MANE Select); coding-DNA position 3490, C replaced by T.
Protein change: p.Arg1164Ter; replaces arginine 1164 with a stop codon.
Molecular consequence: nonsense.
Genome position (GRCh38, 1-based): chr16:88,726,924, G>A on the plus strand (C>T on the coding strand, the complement: PIEZO1 is on the minus strand). VCF-style: chr16-88726924-G-A. GRCh37 (hg19) VCF-style: chr16-88793332-G-A.
Other names: short protein forms R1164*.
Identifiers: ClinVar variation 3617924 (VCV003617924.4).

ClinVar aggregate classification (germline): Pathogenic/Likely pathogenic. Review status: criteria provided, multiple submitters, no conflicts (2 of 4 stars). 3 submissions from 3 submitters: Pathogenic (2); Likely pathogenic (1). Last evaluated 2025-03-21.

Conditions:
Lymphatic malformation 6 (LMPHM6). Also called: Lymphedema, hereditary, III; GENERALIZED LYMPHATIC DYSPLASIA OF FOTIOU; PIEZO1-related generalized lymphatic dysplasia with non-immune hydrops fetalis. Identifiers: Orphanet 568062, MedGen C4225184, MONDO:0014797, OMIM 616843.

gnomAD v4.1: 23 of 1,550,292 alleles (0.0015%); highest among the groups gnomAD compares: Admixed American, 0.002%; no homozygotes.

Submissions (3):

3billion
Classification: Pathogenic for Lymphatic malformation 6. Last evaluated: 2025-03-21. Review status: criteria provided, single submitter. Criteria: ACMG Guidelines, 2015. Collection method: clinical testing. Allele origin: germline. Affected: yes.
Comment: The variant is observed at an extremely low frequency in the gnomAD v4.1.0 dataset (total allele frequency: 0.001%). Predicted Consequence/Location: Stop-gained (nonsense): predicted to result in a loss or disruption of normal protein function through nonsense-mediated decay (NMD) or protein truncation. Multiple pathogenic variants are reported downstream of the variant. The variant has been reported to be associated with PIEZO1-related disorder (ClinVar ID: VCV003617924 / PMID: 34358671). Therefore, this variant is classified as Pathogenic according to the recommendation of ACMG/AMP guideline.

Labcorp Genetics (formerly Invitae), Labcorp
Classification: Pathogenic. Last evaluated: 2024-03-11. Review status: criteria provided, single submitter. Criteria: Invitae Variant Classification Sherloc (09022015). Collection method: clinical testing. Allele origin: germline.
Comment: This sequence change creates a premature translational stop signal (p.Arg1164*) in the PIEZO1 gene. It is expected to result in an absent or disrupted protein product. Loss-of-function variants in PIEZO1 are known to be pathogenic (PMID: 26333996). This variant is present in population databases (no rsID available, gnomAD 0.006%). This variant has not been reported in the literature in individuals affected with PIEZO1-related conditions. For these reasons, this variant has been classified as Pathogenic.

Revvity Omics, Revvity
Classification: Likely pathogenic. Last evaluated: 2023-11-29. Review status: criteria provided, single submitter. Criteria: ACMG Guidelines, 2015. Collection method: clinical testing. Allele origin: germline.

Literature cited by the submitters: PubMed 34358671 (cited by 3billion); PubMed 26333996 (cited by Labcorp Genetics (formerly Invitae), Labcorp).